The following is an entry in ClinVar:

ClinVar aggregate classification (germline): Uncertain significance. Review status: criteria provided, multiple submitters, no conflicts (2 of 4 stars). 2 submissions from 2 submitters: Uncertain significance (2). Last evaluated 2026-02-01.

Allele frequency attached by ClinVar (database versions not stated): gnomAD 0.00003; gnomAD exomes 0.00003; TOPMed 0.00002.

Submissions (2):

Labcorp Genetics (formerly Invitae), Labcorp
Classification: Uncertain significance. Last evaluated: 2026-02-01. Review status: criteria provided, single submitter. Criteria: Invitae Variant Classification Sherloc (09022015). Collection method: clinical testing. Allele origin: germline.
Comment: This sequence change replaces serine, which is neutral and polar, with leucine, which is neutral and non-polar, at codon 201 of the CEP97 protein (p.Ser201Leu). This variant is present in population databases (no rsID available, gnomAD 0.006%). This variant has not been reported in the literature in individuals affected with CEP97-related conditions. ClinVar contains an entry for this variant (Variation ID: 2488343). Invitae Evidence Modeling of protein sequence and biophysical properties (such as structural, functional, and spatial information, amino acid conservation, physicochemical variation, residue mobility, and thermodynamic stability) indicates that this missense variant is expected to disrupt CEP97 protein function with a positive predictive value of 80%. In summary, the available evidence is currently insufficient to determine the role of this variant in disease. Therefore, it has been classified as a Variant of Uncertain Significance.

Ambry Genetics
Classification: Uncertain significance. Last evaluated: 2025-08-03. Review status: criteria provided, single submitter. Criteria: Ambry Variant Classification Scheme 2023. Collection method: clinical testing. Allele origin: germline.

NM_024548.4(CEP97):c.602C>T (p.Ser201Leu)

Gene: CEP97 (centrosomal protein 97; plus strand). Cytogenetic location: 3q12.3.
Variant type: single nucleotide variant.
Coding change: c.602C>T on transcript NM_024548.4 (MANE Select); coding-DNA position 602, C replaced by T.
Protein change: p.Ser201Leu; replaces serine 201 with leucine.
Molecular consequence: missense variant.
Genome position (GRCh38, 1-based): chr3:101,732,528, C>T. VCF-style: chr3-101732528-C-T. GRCh37 (hg19) VCF-style: chr3-101451372-C-T.
Other names: c.602C>T, p.Ser201Leu (NM_001303401.2); c.500C>T, p.Ser167Leu (NM_001410784.1, NM_001410785.1); short protein forms S167L, S201L.
Identifiers: ClinVar variation 2488343 (VCV002488343.6), dbSNP rs1441946316, ClinGen allele CA353886514.